The following is an entry in ClinVar:

NM_001130823.3(DNMT1):c.1108A>C (p.Ile370Leu)

Gene: DNMT1 (DNA methyltransferase 1; minus strand). Cytogenetic location: 19p13.2.
Variant type: single nucleotide variant.
Coding change: c.1108A>C on transcript NM_001130823.3 (MANE Select); coding-DNA position 1108, A replaced by C.
Protein change: p.Ile370Leu; replaces isoleucine 370 with leucine.
Molecular consequence: missense variant.
Genome position (GRCh38, 1-based): chr19:10,159,904, T>G on the plus strand (A>C on the coding strand, the complement: DNMT1 is on the minus strand). VCF-style: chr19-10159904-T-G. GRCh37 (hg19) VCF-style: chr19-10270580-T-G.
Other names: c.1108A>C (LRG_362t1); c.1060A>C, p.Ile354Leu (NM_001318730.2, NM_001379.4); c.745A>C, p.Ile249Leu (NM_001318731.2); short protein forms I370L, I249L, I354L.
Identifiers: ClinVar variation 574166 (VCV000574166.8), dbSNP rs1316802867, ClinGen allele CA403939804.
Genomic context (GRCh38, chr19:10,159,904, plus strand): 5'-CGTCTGGTGGGTGCTGCCCATATTTGAGGTCAGGGTCGTCCAGGTACTGCCCGCACTGAA[T>G]GCACTTGGGAGGGTGGGTCTGTGGGAGCAGGAACACAGATGATGGCACTCAGAGAGCAGC-3'
Protein context (NP_001124295.1, residues 360-380): MNSKTHPPKC[Ile370Leu]QCGQYLDDPD

ClinVar aggregate classification (germline): Uncertain significance (1 of 4 stars; one submission).

Conditions:
Hereditary sensory neuropathy-deafness-dementia syndrome. Also called: Hereditary Sensory and Autonomic Neuropathy Type 1E (HSAN1E); HSN IE; NEUROPATHY, HEREDITARY SENSORY, WITH HEARING LOSS AND DEMENTIA; Hereditary sensory neuropathy type IE. Identifiers: Orphanet 456318, MedGen C3279885, MONDO:0013584, OMIM 614116.

Allele frequency attached by ClinVar (database versions not stated): TOPMed below 0.00001; gnomAD 0.00001; gnomAD exomes 0.00001.
gnomAD v4.1: 14 of 1,614,078 alleles (0.00087%); highest among the groups gnomAD compares: Non-Finnish European, 0.001%; no homozygotes.

Submission:

Labcorp Genetics (formerly Invitae), Labcorp
Classification: Uncertain significance for Hereditary sensory neuropathy-deafness-dementia syndrome. Last evaluated: 2023-10-24. Review status: criteria provided, single submitter. Criteria: Invitae Variant Classification Sherloc (09022015). Collection method: clinical testing. Allele origin: germline.
Comment: This sequence change replaces isoleucine, which is neutral and non-polar, with leucine, which is neutral and non-polar, at codon 370 of the DNMT1 protein (p.Ile370Leu). This variant is not present in population databases (gnomAD no frequency). This variant has not been reported in the literature in individuals affected with DNMT1-related conditions. ClinVar contains an entry for this variant (Variation ID: 574166). Advanced modeling of protein sequence and biophysical properties (such as structural, functional, and spatial information, amino acid conservation, physicochemical variation, residue mobility, and thermodynamic stability) performed at Invitae indicates that this missense variant is not expected to disrupt DNMT1 protein function with a negative predictive value of 80%. In summary, the available evidence is currently insufficient to determine the role of this variant in disease. Therefore, it has been classified as a Variant of Uncertain Significance.